The following is an entry in ClinVar:

NM_001374736.1(DST):c.11139T>G (p.Leu3713=)

Gene: DST (dystonin; minus strand). Cytogenetic location: 6p12.1.
Variant type: single nucleotide variant.
Coding change: c.11139T>G on transcript NM_001374736.1 (MANE Select); coding-DNA position 11139, T replaced by G.
Protein change: p.Leu3713=; no amino-acid change (leucine 3713 retained).
Molecular consequence: synonymous variant. On other transcripts: intron variant (6).
Genome position (GRCh38, 1-based): chr6:56,603,223, A>C on the plus strand (T>G on the coding strand, the complement: DST is on the minus strand). VCF-style: chr6-56603223-A-C. GRCh37 (hg19) VCF-style: chr6-56468021-A-C.
Other names: c.11139T>G, p.Leu3713= (NM_001374722.1); c.10506T>G, p.Leu3502= (NM_001374729.1); c.11166T>G, p.Leu3722= (NM_001374734.1); c.5185-3002T>G (NM_001144769.5); c.4771-3002T>G (NM_001144770.2); c.4651-3002T>G (NM_001374730.1, NM_001386100.1, NM_183380.4); c.3673-3002T>G (NM_015548.5).
Identifiers: ClinVar variation 2656662 (VCV002656662.25), dbSNP rs191101389, ClinGen allele CA3868742.
Genomic context (GRCh38, chr6:56,603,223, plus strand): 5'-AAATTTTCTTCATAAATCAAAATTTTGACATTTTATGCCTACCATTTCAGAGTCGATCGC[A>C]AGCATGATCTGTTTCGTTCTTTCTGAAGACACGTTGCTGAGGGAAGAGAAGGCGGTCTTC-3'
Protein context (NP_001361665.1, residues 3703-3723): VSSERTKQIM[Leu3713=]AIDSEMSKLA

ClinVar aggregate classification (germline): Likely benign. Review status: criteria provided, multiple submitters, no conflicts (2 of 4 stars). 2 submissions from 2 submitters: Likely benign (2). Last evaluated 2025-01-01.

Allele frequency attached by ClinVar (database versions not stated): ESP Exome Variant Server 0.00052; gnomAD exomes 0.00058; gnomAD 0.00064; TOPMed 0.00079; 1000 Genomes Project 0.00140; 1000 Genomes Project 30x 0.00141; ExAC 0.00152.
gnomAD v4.1: 1,006 of 1,603,820 alleles (0.063%); highest among the groups gnomAD compares: Middle Eastern, 0.58%; 8 homozygotes.

Submissions (2):

CeGaT Center for Human Genetics Tuebingen
Classification: Likely benign. Last evaluated: 2025-01-01. Review status: criteria provided, single submitter. Criteria: CeGaT Center For Human Genetics Tuebingen Variant Classification Criteria Version 2. Collection method: clinical testing. Allele origin: germline. Affected: yes. Observed: 3 variant alleles.
Comment: DST: BP4, BP7

Blueprint Genetics
Classification: Likely benign. Last evaluated: 2023-02-01. Review status: criteria provided, single submitter. Criteria: ACMG Guidelines, 2015. Collection method: clinical testing. Allele origin: germline.